The following is an entry in ClinVar:

ClinVar aggregate classification (germline): Likely benign. Review status: reviewed by expert panel (3 of 4 stars). 4 submissions from 4 submitters: Likely benign (1). 3 of the submissions do not count toward it. Last evaluated 2026-06-23.

Conditions:
DICER1-related tumor predisposition. Also called: DICER1 syndrome; DICER1-related pleuropulmonary blastoma cancer predisposition syndrome. Identifiers: Orphanet 284343, MedGen C3839822, MONDO:0100216.
DICER1-related disorder. Also called: DICER1-related condition.
Hereditary cancer-predisposing syndrome. Also called: Neoplastic Syndromes, Hereditary; Tumor predisposition; Hereditary Cancer Syndrome; Hereditary neoplastic syndrome. Identifiers: Orphanet 140162, MedGen C0027672, MeSH D009386, MONDO:0015356.

Allele frequency attached by ClinVar (database versions not stated): gnomAD exomes below 0.00001; ExAC 0.00001.
gnomAD v4.1: 6 of 1,614,222 alleles (0.00037%); highest among the groups gnomAD compares: Non-Finnish European, 0.00051%; no homozygotes.

Submissions (4):

ClinGen DICER1 and miRNA-Processing Gene Variant Curation Expert Panel, ClinGen
Classification: Likely benign for DICER1-related tumor predisposition. Last evaluated: 2026-06-23. Review status: reviewed by expert panel. Criteria: ClinGen DICER1 ACMG Specifications DICER1 V1.4.0. Collection method: curation. Allele origin: germline. Inheritance: Autosomal dominant inheritance.
Comment: The NM_177438.3:c.4494T>G variant in DICER1 is a missense variant predicted to replace phenylalanine with leucine at codon 1498 (p.Phe1498Leu). Although this variant has been observed in individuals undergoing genetic sequencing, to our knowledge, this variant has not been reported in individuals with DICER1-related tumor predisposition (PS4 not met; Internal lab contributors). This variant has been seen in 10 or more unrelated females without tumors through age 50 in at least one testing laboratory (BS2_Supporting; Internal lab contributors). The total allele frequency in gnomAD v4.1.0 is 0.000003717 (6/1614222 alleles) with a highest population minor allele frequency of 0.000005085 (6/1180034 alleles) in the European (non-Finnish) population (PM2_Supporting, BS1, and BA1 are not met). In silico tools predict no damaging impact of the variant on protein function (REVEL: 0.150; MaxEntScan and SpliceAI: no effect on splicing) (BP4). In summary, this variant meets the criteria to be classified as Likely Benign for DICER1-related tumor predisposition based on the ACMG/AMP criteria applied, as specified by the ClinGen DICER1 VCEP: BS2_Supporting, BP4. (Bayesian Points: -2; VCEP specifications version 1.4.0; 06/23/2026).

Ambry Genetics
Classification: Uncertain significance for Hereditary cancer-predisposing syndrome. Last evaluated: 2025-11-16. Review status: criteria provided, single submitter. Criteria: Ambry Variant Classification Scheme 2023. Collection method: clinical testing. Allele origin: germline. Not counted in ClinVar's aggregate classification.
Comment: The p.F1498L variant (also known as c.4494T>G), located in coding exon 22 of the DICER1 gene, results from a T to G substitution at nucleotide position 4494. The phenylalanine at codon 1498 is replaced by leucine, an amino acid with highly similar properties. This amino acid position is not well conserved in available vertebrate species, and leucine is the reference amino acid in other vertebrate species. In addition, this alteration is predicted to be tolerated by in silico analysis. Since supporting evidence is limited at this time, the clinical significance of this alteration remains unclear.

PreventionGenetics, part of Exact Sciences
Classification: Uncertain significance for DICER1-related condition. Last evaluated: 2025-07-03. Review status: criteria provided, single submitter. Criteria: ACMG Guidelines, 2015. Collection method: clinical testing. Allele origin: germline. Not counted in ClinVar's aggregate classification.
Comment: The DICER1 c.4494T>G variant is predicted to result in the amino acid substitution p.Phe1498Leu. To our knowledge, this variant has not been reported in the literature. This variant is reported in 0.00088% of alleles in individuals of European (Non-Finnish) descent in gnomAD. At this time, the clinical significance of this variant is uncertain due to the absence of conclusive functional and genetic evidence.

Labcorp Genetics (formerly Invitae), Labcorp
Classification: Uncertain significance for DICER1-related tumor predisposition. Last evaluated: 2025-03-09. Review status: criteria provided, single submitter. Criteria: Invitae Variant Classification Sherloc (09022015). Collection method: clinical testing. Allele origin: germline. Not counted in ClinVar's aggregate classification.
Comment: This sequence change replaces phenylalanine, which is neutral and non-polar, with leucine, which is neutral and non-polar, at codon 1498 of the DICER1 protein (p.Phe1498Leu). This variant is present in population databases (rs779801642, gnomAD 0.0009%). This variant has not been reported in the literature in individuals affected with DICER1-related conditions. ClinVar contains an entry for this variant (Variation ID: 568788). Invitae Evidence Modeling of protein sequence and biophysical properties (such as structural, functional, and spatial information, amino acid conservation, physicochemical variation, residue mobility, and thermodynamic stability) indicates that this missense variant is not expected to disrupt DICER1 protein function with a negative predictive value of 95%. In summary, the available evidence is currently insufficient to determine the role of this variant in disease. Therefore, it has been classified as a Variant of Uncertain Significance.

NM_177438.3(DICER1):c.4494T>G (p.Phe1498Leu)

Gene: DICER1 (dicer 1, ribonuclease III; minus strand). Cytogenetic location: 14q32.13.
Variant type: single nucleotide variant.
Coding change: c.4494T>G on transcript NM_177438.3 (MANE Select); coding-DNA position 4494, T replaced by G.
Protein change: p.Phe1498Leu; replaces phenylalanine 1498 with leucine.
Molecular consequence: missense variant.
Genome position (GRCh38, 1-based): chr14:95,096,426, A>C on the plus strand (T>G on the coding strand, the complement: DICER1 is on the minus strand). VCF-style: chr14-95096426-A-C. GRCh37 (hg19) VCF-style: chr14-95562763-A-C.
Other names: NM_177438.3(DICER1):c.4494T>G; p.Phe1498Leu; c.4494T>G, p.Phe1498Leu (NM_001195573.1, NM_001271282.3, NM_001291628.2 and 1 more transcripts); short protein forms F1498L.
Identifiers: ClinVar variation 568788 (VCV000568788.19), dbSNP rs779801642, ClinGen allele CA7330837.